The following is an entry in ClinVar:

NM_002234.4(KCNA5):c.1746C>T (p.Pro582=)

Gene: KCNA5 (potassium voltage-gated channel subfamily A member 5; plus strand). Cytogenetic location: 12p13.32.
Variant type: single nucleotide variant.
Coding change: c.1746C>T on transcript NM_002234.4 (MANE Select); coding-DNA position 1746, C replaced by T.
Protein change: p.Pro582=; no amino-acid change (proline 582 retained).
Molecular consequence: synonymous variant.
Genome position (GRCh38, 1-based): chr12:5,045,893, C>T. VCF-style: chr12-5045893-C-T. GRCh37 (hg19) VCF-style: chr12-5155059-C-T.
Identifiers: ClinVar variation 2763999 (VCV002763999.3), dbSNP rs2497481475, ClinGen allele CA478095907.
Genomic context (GRCh38, chr12:5,045,893, plus strand): 5'-CTTCTGCAAGGCTGGGGGGACCCTGGAGAATGCAGACAGTGCCCGAAGGGGCAGCTGCCC[C>T]CTAGAGAAGTGTAACGTCAAGGCCAAGAGCAACGTGGACTTGCGGAGGTCCCTTTATGCC-3'
Protein context (NP_002225.2, residues 572-592): NADSARRGSC[Pro582=]LEKCNVKAKS

ClinVar aggregate classification (germline): Uncertain significance (1 of 4 stars; one submission).

Conditions:
Atrial fibrillation, familial, 7 (ATFB7). Identifiers: MedGen C2677106, MONDO:0012828, OMIM 612240.

Submission:

Labcorp Genetics (formerly Invitae), Labcorp
Classification: Uncertain significance for Atrial fibrillation, familial, 7. Last evaluated: 2023-12-12. Review status: criteria provided, single submitter. Criteria: Invitae Variant Classification Sherloc (09022015). Collection method: clinical testing. Allele origin: germline.
Comment: This sequence change affects codon 582 of the KCNA5 mRNA. It is a 'silent' change, meaning that it does not change the encoded amino acid sequence of the KCNA5 protein. This variant is not present in population databases (gnomAD no frequency). This variant has not been reported in the literature in individuals affected with KCNA5-related conditions. In summary, the available evidence is currently insufficient to determine the role of this variant in disease. Therefore, it has been classified as a Variant of Uncertain Significance.